The following is an entry in ClinVar:

NM_001060.6(TBXA2R):c.835G>A (p.Ala279Thr)

Gene: TBXA2R (thromboxane A2 receptor; minus strand). Cytogenetic location: 19p13.3.
Variant type: single nucleotide variant.
Coding change: c.835G>A on transcript NM_001060.6 (MANE Select); coding-DNA position 835, G replaced by A.
Protein change: p.Ala279Thr; replaces alanine 279 with threonine.
Molecular consequence: missense variant.
Genome position (GRCh38, 1-based): chr19:3,595,885, C>T on the plus strand (G>A on the coding strand, the complement: TBXA2R is on the minus strand). VCF-style: chr19-3595885-C-T. GRCh37 (hg19) VCF-style: chr19-3595883-C-T.
Other names: c.835G>A, p.Ala279Thr (NM_201636.3); short protein forms A279T.
Identifiers: ClinVar variation 2961401 (VCV002961401.4), dbSNP rs780319875, ClinGen allele CA9080763.

ClinVar aggregate classification (germline): Conflicting classifications of pathogenicity. Review status: criteria provided, conflicting classifications (1 of 4 stars). 2 submissions from 2 submitters: Uncertain significance (1); Likely benign (1). Last evaluated 2025-12-17.

Conditions:
Inborn genetic diseases. Identifiers: MedGen C0950123, MeSH D030342.

Allele frequency attached by ClinVar (database versions not stated): TOPMed 0.00005; ExAC 0.00013; gnomAD 0.00003; gnomAD exomes 0.00004.
gnomAD v4.1: 65 of 1,608,122 alleles (0.004%); highest among the groups gnomAD compares: East Asian, 0.067%; no homozygotes.

Submissions (2):

Labcorp Genetics (formerly Invitae), Labcorp
Classification: Uncertain significance. Last evaluated: 2025-12-17. Review status: criteria provided, single submitter. Criteria: Invitae Variant Classification Sherloc (09022015). Collection method: clinical testing. Allele origin: germline.
Comment: This sequence change replaces alanine, which is neutral and non-polar, with threonine, which is neutral and polar, at codon 279 of the TBXA2R protein (p.Ala279Thr). This variant is present in population databases (rs780319875, gnomAD 0.09%), and has an allele count higher than expected for a pathogenic variant. This variant has not been reported in the literature in individuals affected with TBXA2R-related conditions. ClinVar contains an entry for this variant (Variation ID: 2961401). An algorithm developed to predict the effect of missense changes on protein structure and function outputs the following: PolyPhen-2: "Benign". The threonine amino acid residue is found in multiple mammalian species, which suggests that this missense change does not adversely affect protein function. In summary, the available evidence is currently insufficient to determine the role of this variant in disease. Therefore, it has been classified as a Variant of Uncertain Significance.

Ambry Genetics
Classification: Likely benign for Inborn genetic diseases. Last evaluated: 2024-01-03. Review status: criteria provided, single submitter. Criteria: Ambry Variant Classification Scheme 2023. Collection method: clinical testing. Allele origin: germline.